The following is an entry in ClinVar:

NM_004369.4(COL6A3):c.5944C>T (p.Leu1982Phe)

Gene: COL6A3 (collagen type VI alpha 3 chain; minus strand). Cytogenetic location: 2q37.3.
Variant type: single nucleotide variant.
Coding change: c.5944C>T on transcript NM_004369.4 (MANE Select); coding-DNA position 5944, C replaced by T.
Protein change: p.Leu1982Phe; replaces leucine 1982 with phenylalanine.
Molecular consequence: missense variant.
Genome position (GRCh38, 1-based): chr2:237,363,372, G>A on the plus strand (C>T on the coding strand, the complement: COL6A3 is on the minus strand). VCF-style: chr2-237363372-G-A. GRCh37 (hg19) VCF-style: chr2-238272015-G-A.
Other names: c.4123C>T, p.Leu1375Phe (NM_057166.5); c.5326C>T, p.Leu1776Phe (NM_057167.4); short protein forms L1375F, L1776F, L1982F.
Identifiers: ClinVar variation 2788111 (VCV002788111.3), dbSNP rs1216219949, ClinGen allele CA351219191.

ClinVar aggregate classification (germline): Uncertain significance (1 of 4 stars; one submission).

Conditions:
Bethlem myopathy 1A. Also called: Bethlem myopathy 1; MYOPATHY, BENIGN CONGENITAL, WITH CONTRACTURES; Bethlem Muscular Dystrophy. Identifiers: Orphanet 610, MedGen CN029274, MONDO:0024530, OMIM 158810.

Allele frequency attached by ClinVar (database versions not stated): gnomAD exomes below 0.00001.
gnomAD v4.1: 1 of 1,614,076 alleles (0.000062%); highest among the groups gnomAD compares: Non-Finnish European, 0.000085%; no homozygotes.

Submission:

Labcorp Genetics (formerly Invitae), Labcorp
Classification: Uncertain significance for Bethlem myopathy 1A. Last evaluated: 2023-08-06. Review status: criteria provided, single submitter. Criteria: Invitae Variant Classification Sherloc (09022015). Collection method: clinical testing. Allele origin: germline.
Comment: This sequence change replaces leucine, which is neutral and non-polar, with phenylalanine, which is neutral and non-polar, at codon 1982 of the COL6A3 protein (p.Leu1982Phe). This variant is present in population databases (no rsID available, gnomAD 0.0009%). This variant has not been reported in the literature in individuals affected with COL6A3-related conditions. Advanced modeling of protein sequence and biophysical properties (such as structural, functional, and spatial information, amino acid conservation, physicochemical variation, residue mobility, and thermodynamic stability) performed at Invitae indicates that this missense variant is expected to disrupt COL6A3 protein function. In summary, the available evidence is currently insufficient to determine the role of this variant in disease. Therefore, it has been classified as a Variant of Uncertain Significance.